The following is an entry in ClinVar:

ClinVar aggregate classification (germline): Uncertain significance (1 of 4 stars; one submission).

Conditions:
Takenouchi-Kosaki syndrome. Also called: MACROTHROMBOCYTOPENIA AND MENTAL RETARDATION SYNDROME; Macrothrombocytopenia-lymphedema-developmental delay-facial dysmorphism-camptodactyly syndrome. Identifiers: Orphanet 487796, MedGen C4225222, MONDO:0014757, OMIM 616737.

Submission:

Dasa
Classification: Uncertain significance for Takenouchi-Kosaki syndrome. Last evaluated: 2026-01-11. Review status: criteria provided, single submitter. Criteria: DASA Assertion Criteria. Collection method: clinical testing. Allele origin: germline.
Comment: NM_001791.4(CDC42):c.166T>C (p.Phe56Leu) is a missense variant that results in the substitution of phenylalanine with leucine. This variant is absent from population databases. Computational prediction algorithms are consistent with a deleterious effect. The currently available literature and clinical evidence are not sufficient to establish a definitive association between this variant and the reported condition. Therefore, this variant is classified as a variant of uncertain significance.

NM_001791.4(CDC42):c.166T>C (p.Phe56Leu)

Gene: CDC42 (cell division cycle 42; plus strand). Cytogenetic location: 1p36.12.
Variant type: single nucleotide variant.
Coding change: c.166T>C on transcript NM_001791.4 (MANE Select); coding-DNA position 166, T replaced by C.
Protein change: p.Phe56Leu; replaces phenylalanine 56 with leucine.
Molecular consequence: missense variant.
Genome position (GRCh38, 1-based): chr1:22,081,782, T>C. VCF-style: chr1-22081782-T-C. GRCh37 (hg19) VCF-style: chr1-22408275-T-C.
Other names: c.166T>C, p.Phe56Leu (NM_001039802.2, NM_044472.3); short protein forms F56L.
Identifiers: ClinVar variation 4881812 (VCV004881812.2).